The following is an entry in ClinVar:

NM_005751.5(AKAP9):c.2294A>G (p.Asp765Gly)

Gene: AKAP9 (A-kinase anchoring protein 9; plus strand). Cytogenetic location: 7q21.2.
Variant type: single nucleotide variant.
Coding change: c.2294A>G on transcript NM_005751.5 (MANE Select); coding-DNA position 2294, A replaced by G.
Protein change: p.Asp765Gly; replaces aspartic acid 765 with glycine.
Molecular consequence: missense variant.
Genome position (GRCh38, 1-based): chr7:92,002,211, A>G. VCF-style: chr7-92002211-A-G. GRCh37 (hg19) VCF-style: chr7-91631525-A-G.
Other names: c.2294A>G, p.Asp765Gly (NM_147185.3); short protein forms D765G.
Identifiers: ClinVar variation 1789146 (VCV001789146.2), dbSNP rs761249322, ClinGen allele CA4336111.

ClinVar aggregate classification (germline): Uncertain significance (1 of 4 stars; one submission).

Conditions:
Cardiovascular phenotype. Identifiers: MedGen CN230736.

Allele frequency attached by ClinVar (database versions not stated): TOPMed below 0.00001; ExAC 0.00001; gnomAD exomes 0.00001.

Submission:

Ambry Genetics
Classification: Uncertain significance for Cardiovascular phenotype. Last evaluated: 2024-01-12. Review status: criteria provided, single submitter. Criteria: Ambry Variant Classification Scheme 2023. Collection method: clinical testing. Allele origin: germline.
Comment: The p.D765G variant (also known as c.2294A>G), located in coding exon 8 of the AKAP9 gene, results from an A to G substitution at nucleotide position 2294. The aspartic acid at codon 765 is replaced by glycine, an amino acid with similar properties. Another alteration affecting the same amino acid, p.D765E (c.2295T>A), has been reported in an asymptomatic individual in a whole exome sequencing cohort (Shigemizu D et al. PLoS ONE, 2015 Jul;10:e0130329). This amino acid position is not well conserved in available vertebrate species, and glycine is the reference amino acid in other vertebrate species. In addition, this alteration is predicted to be tolerated by in silico analysis. Since supporting evidence is limited at this time, the clinical significance of this alteration remains unclear.